The following is an entry in ClinVar:

NM_016169.4(SUFU):c.343G>A (p.Gly115Ser)

Gene: SUFU (SUFU negative regulator of hedgehog signaling; plus strand). Cytogenetic location: 10q24.32.
Variant type: single nucleotide variant.
Coding change: c.343G>A on transcript NM_016169.4 (MANE Select); coding-DNA position 343, G replaced by A.
Protein change: p.Gly115Ser; replaces glycine 115 with serine.
Molecular consequence: missense variant.
Genome position (GRCh38, 1-based): chr10:102,549,995, G>A. VCF-style: chr10-102549995-G-A. GRCh37 (hg19) VCF-style: chr10-104309752-G-A.
Other names: c.343G>A, p.Gly115Ser (NM_001178133.2); short protein forms G115S.
Identifiers: ClinVar variation 4782979 (VCV004782979.1).

ClinVar aggregate classification (germline): Uncertain significance (1 of 4 stars; one submission).

Conditions:
Gorlin syndrome. Also called: Nevoid Basal Cell Carcinoma Syndrome; Basal cell nevus syndrome. Identifiers: Orphanet 377, MedGen C0004779, MONDO:0007187.
Medulloblastoma (MDB). Also called: MEDULLOBLASTOMA PREDISPOSITION SYNDROME; Medulloblastoma, somatic. Identifiers: Orphanet 616, MedGen C0025149, MeSH D008527, MONDO:0007959, OMIM 155255, HP:0002885.

Submission:

Labcorp Genetics (formerly Invitae), Labcorp
Classification: Uncertain significance for Gorlin syndrome; Medulloblastoma. Last evaluated: 2026-01-06. Review status: criteria provided, single submitter. Criteria: Invitae Variant Classification Sherloc (09022015). Collection method: clinical testing. Allele origin: germline.
Comment: This sequence change replaces glycine, which is neutral and non-polar, with serine, which is neutral and polar, at codon 115 of the SUFU protein (p.Gly115Ser). This variant is not present in population databases (gnomAD no frequency). This variant has not been reported in the literature in individuals affected with SUFU-related conditions. Invitae Evidence Modeling of protein sequence and biophysical properties (such as structural, functional, and spatial information, amino acid conservation, physicochemical variation, residue mobility, and thermodynamic stability) indicates that this missense variant is expected to disrupt SUFU protein function with a positive predictive value of 80%. In summary, the available evidence is currently insufficient to determine the role of this variant in disease. Therefore, it has been classified as a Variant of Uncertain Significance.